The following is an entry in ClinVar:

NM_021961.6(TEAD1):c.402T>A (p.Thr134=)

Gene: TEAD1 (TEA domain transcription factor 1; plus strand). Cytogenetic location: 11p15.3.
Variant type: single nucleotide variant.
Coding change: c.402T>A on transcript NM_021961.6 (MANE Select); coding-DNA position 402, T replaced by A.
Protein change: p.Thr134=; no amino-acid change (threonine 134 retained).
Molecular consequence: synonymous variant.
Genome position (GRCh38, 1-based): chr11:12,879,779, T>A. VCF-style: chr11-12879779-T-A. GRCh37 (hg19) VCF-style: chr11-12901326-T-A.
Identifiers: ClinVar variation 3353968 (VCV003353968.1).

ClinVar aggregate classification (germline): Likely benign (0 of 4 stars; one submission).

Conditions:
TEAD1-related disorder. Also called: TEAD1-related condition.

gnomAD v4.1: 2 of 1,614,186 alleles (0.00012%); highest among the groups gnomAD compares: Non-Finnish European, 0.00017%; no homozygotes.

Submission:

PreventionGenetics, part of Exact Sciences
Classification: Likely benign for TEAD1-related condition. Last evaluated: 2024-09-17. Review status: no assertion criteria provided. Collection method: clinical testing. Allele origin: germline.
Comment: This variant is classified as likely benign based on ACMG/AMP sequence variant interpretation guidelines (Richards et al. 2015 PMID: 25741868, with internal and published modifications).